The following is an entry in ClinVar:

NM_012470.4(TNPO3):c.2186G>C (p.Cys729Ser)

Gene: TNPO3 (transportin 3; minus strand). Cytogenetic location: 7q32.1.
Variant type: single nucleotide variant.
Coding change: c.2186G>C on transcript NM_012470.4 (MANE Select); coding-DNA position 2186, G replaced by C.
Protein change: p.Cys729Ser; replaces cysteine 729 with serine.
Molecular consequence: missense variant. On other transcripts: non-coding transcript variant (18).
Genome position (GRCh38, 1-based): chr7:128,974,955, C>G on the plus strand (G>C on the coding strand, the complement: TNPO3 is on the minus strand). VCF-style: chr7-128974955-C-G. GRCh37 (hg19) VCF-style: chr7-128615009-C-G.
Other names: c.1994G>C, p.Cys665Ser (NM_001191028.3, NM_001382223.1); c.2288G>C, p.Cys763Ser (NM_001382216.1); c.2267G>C, p.Cys756Ser (NM_001382217.1); c.2186G>C, p.Cys729Ser (NM_001382218.1); c.2078G>C, p.Cys693Ser (NM_001382219.1); c.2045G>C, p.Cys682Ser (NM_001382220.1); c.2042G>C, p.Cys681Ser (NM_001382221.1); c.2039G>C, p.Cys680Ser (NM_001382222.1); short protein forms C729S, C665S, C680S, C681S, C682S, C693S, C756S, C763S.
Identifiers: ClinVar variation 464848 (VCV000464848.10), dbSNP rs757809379, ClinGen allele CA4477936.

ClinVar aggregate classification (germline): Uncertain significance. Review status: criteria provided, multiple submitters, no conflicts (2 of 4 stars). 2 submissions from 2 submitters: Uncertain significance (2). Last evaluated 2025-11-26.

Conditions:
Autosomal dominant limb-girdle muscular dystrophy type 1F (LGMDD2). Also called: Limb-girdle muscular dystrophy, type 1F; MUSCULAR DYSTROPHY, LIMB-GIRDLE, AUTOSOMAL DOMINANT 2. Identifiers: Orphanet 55595, MedGen C1842062, MONDO:0012034, OMIM 608423.
Inborn genetic diseases. Identifiers: MedGen C0950123, MeSH D030342.

Allele frequency attached by ClinVar (database versions not stated): gnomAD 0.00001 and 0.00002; gnomAD exomes 0.00001 and 0.00005; ExAC 0.00002; TOPMed 0.00002.
gnomAD v4.1: 18 of 1,613,738 alleles (0.0011%); highest among the groups gnomAD compares: Admixed American, 0.028%; no homozygotes.

Submissions (2):

Ambry Genetics
Classification: Uncertain significance for Inborn genetic diseases. Last evaluated: 2025-11-26. Review status: criteria provided, single submitter. Criteria: Ambry Variant Classification Scheme 2023. Collection method: clinical testing. Allele origin: germline.

Labcorp Genetics (formerly Invitae), Labcorp
Classification: Uncertain significance for Autosomal dominant limb-girdle muscular dystrophy type 1F. Last evaluated: 2025-07-07. Review status: criteria provided, single submitter. Criteria: Invitae Variant Classification Sherloc (09022015). Collection method: clinical testing. Allele origin: germline.
Comment: This sequence change replaces cysteine, which is neutral and slightly polar, with serine, which is neutral and polar, at codon 729 of the TNPO3 protein (p.Cys729Ser). This variant is present in population databases (rs757809379, gnomAD 0.03%). This variant has not been reported in the literature in individuals affected with TNPO3-related conditions. ClinVar contains an entry for this variant (Variation ID: 464848). Invitae Evidence Modeling of protein sequence and biophysical properties (such as structural, functional, and spatial information, amino acid conservation, physicochemical variation, residue mobility, and thermodynamic stability) indicates that this missense variant is not expected to disrupt TNPO3 protein function with a negative predictive value of 80%. In summary, the available evidence is currently insufficient to determine the role of this variant in disease. Therefore, it has been classified as a Variant of Uncertain Significance.